The following is an entry in ClinVar:

NM_000256.3(MYBPC3):c.1915G>A (p.Val639Ile)

Gene: MYBPC3 (myosin binding protein C3; minus strand). Cytogenetic location: 11p11.2.
Variant type: single nucleotide variant.
Coding change: c.1915G>A on transcript NM_000256.3 (MANE Select); coding-DNA position 1915, G replaced by A.
Protein change: p.Val639Ile; replaces valine 639 with isoleucine.
Molecular consequence: missense variant.
Genome position (GRCh38, 1-based): chr11:47,341,015, C>T on the plus strand (G>A on the coding strand, the complement: MYBPC3 is on the minus strand). VCF-style: chr11-47341015-C-T. GRCh37 (hg19) VCF-style: chr11-47362566-C-T.
Other names: short protein forms V639I.
Identifiers: ClinVar variation 1025607 (VCV001025607.11), dbSNP rs780907679, ClinGen allele CA078402.

ClinVar aggregate classification (germline): Conflicting classifications of pathogenicity. Review status: criteria provided, conflicting classifications (1 of 4 stars). 5 submissions from 5 submitters: Uncertain significance (1); Likely benign (1). 3 of the submissions do not count toward it. Last evaluated 2025-12-17.

Conditions:
Cardiomyopathy (CMYO). Also called: Cardiomyopathies. Identifiers: Orphanet 167848, MedGen C0878544, MONDO:0004994, HP:0001638. Inheritance: Various modes of inheritance.
Hypertrophic cardiomyopathy. Also called: HYPERTROPHIC MYOCARDIOPATHY. Identifiers: Orphanet 217569, MedGen C0007194, MeSH D002312, MONDO:0005045, HP:0001639.

Allele frequency attached by ClinVar (database versions not stated): gnomAD 0.00002; TOPMed 0.00002; gnomAD exomes 0.00003 and 0.00006; ExAC 0.00011.
gnomAD v4.1: 44 of 1,569,724 alleles (0.0028%); highest among the groups gnomAD compares: South Asian, 0.031%; no homozygotes.

Submissions (5):

Labcorp Genetics (formerly Invitae), Labcorp
Classification: Uncertain significance for Hypertrophic cardiomyopathy. Last evaluated: 2025-12-17. Review status: criteria provided, single submitter. Criteria: Invitae Variant Classification Sherloc (09022015). Collection method: clinical testing. Allele origin: germline.
Comment: This sequence change replaces valine, which is neutral and non-polar, with isoleucine, which is neutral and non-polar, at codon 639 of the MYBPC3 protein (p.Val639Ile). The frequency data for this variant in the population databases is considered unreliable, as metrics indicate poor data quality at this position in the gnomAD database. This missense change has been observed in individual(s) with clinical features of MYBPC3-related conditions (PMID: 21520333). ClinVar contains an entry for this variant (Variation ID: 1025607). An algorithm developed to predict the effect of missense changes on protein structure and function (PolyPhen-2) suggests that this variant is likely to be disruptive. In summary, the available evidence is currently insufficient to determine the role of this variant in disease. Therefore, it has been classified as a Variant of Uncertain Significance.

Color Diagnostics, LLC DBA Color Health
Classification: Likely benign for Cardiomyopathy. Last evaluated: 2021-03-09. Review status: criteria provided, single submitter. Criteria: ACMG Guidelines, 2015. Collection method: clinical testing. Allele origin: germline.

Clinical Genetics DNA and cytogenetics Diagnostics Lab, Erasmus MC, Erasmus Medical Center
Classification: Uncertain significance. Review status: no assertion criteria provided. Collection method: clinical testing. Allele origin: germline. Affected: yes. Study: VKGL Data-share Consensus. Not counted in ClinVar's aggregate classification.

Clinical Genetics, Academic Medical Center
Classification: Uncertain significance. Review status: no assertion criteria provided. Collection method: clinical testing. Allele origin: germline. Affected: yes. Study: VKGL Data-share Consensus. Not counted in ClinVar's aggregate classification.

Diagnostic Laboratory, Department of Genetics, University Medical Center Groningen
Classification: Uncertain significance. Review status: no assertion criteria provided. Collection method: clinical testing. Allele origin: germline. Affected: yes. Study: VKGL Data-share Consensus. Not counted in ClinVar's aggregate classification.

Literature cited by the submitters: PubMed 21520333 (cited by Labcorp Genetics (formerly Invitae), Labcorp).